The following is an entry in ClinVar:

ClinVar aggregate classification (germline): Uncertain significance (1 of 4 stars; one submission).

Allele frequency attached by ClinVar (database versions not stated): gnomAD exomes below 0.00001; ExAC 0.00001.

Submission:

GeneDx
Classification: Uncertain significance. Last evaluated: 2023-10-08. Review status: criteria provided, single submitter. Criteria: GeneDx Variant Classification Process June 2021. Collection method: clinical testing. Allele origin: germline. Affected: yes.
Comment: In silico analysis supports that this missense variant has a deleterious effect on protein structure/function; Has not been previously published as pathogenic or benign to our knowledge

NM_001123385.2(BCOR):c.5027C>T (p.Ser1676Phe)

Gene: BCOR (BCL6 corepressor; minus strand). Cytogenetic location: Xp11.4.
Variant type: single nucleotide variant.
Coding change: c.5027C>T on transcript NM_001123385.2 (MANE Select); coding-DNA position 5027, C replaced by T.
Protein change: p.Ser1676Phe; replaces serine 1676 with phenylalanine.
Molecular consequence: missense variant.
Genome position (GRCh38, 1-based): chrX:40,052,350, G>A on the plus strand (C>T on the coding strand, the complement: BCOR is on the minus strand). VCF-style: chrX-40052350-G-A. GRCh37 (hg19) VCF-style: chrX-39911603-G-A.
Other names: c.4925C>T, p.Ser1642Phe (NM_001123383.2, NM_017745.6); c.4871C>T, p.Ser1624Phe (NM_001123384.2); short protein forms S1624F, S1642F, S1676F.
Identifiers: ClinVar variation 3252474 (VCV003252474.1), dbSNP rs762748381.
Genomic context (GRCh38, chrX:40,052,350, plus strand): 5'-TCTGCCTCTGCAATGGTGACAATTTCCACGTTTGGAAAATTGCAGCGAAATATGCGGGAG[G>A]ACATTTTCAATTTCTTAAGGACATCCGAAAGCAGTAGCCAGTTTCGTGGCCTACAAAACA-3'
Protein context (NP_001116857.1, residues 1666-1686): LSDVLKKLKM[Ser1676Phe]SRIFRCNFPN